The following is an entry in ClinVar:

ClinVar aggregate classification (germline): Uncertain significance (1 of 4 stars; one submission).

Conditions:
Cardiovascular phenotype. Identifiers: MedGen CN230736.

gnomAD v4.1: 2 of 1,614,122 alleles (0.00012%); highest among the groups gnomAD compares: Non-Finnish European, 0.00017%; no homozygotes.

Submission:

Ambry Genetics
Classification: Uncertain significance for Cardiovascular phenotype. Last evaluated: 2026-09-11. Review status: criteria provided, single submitter. Criteria: Ambry Variant Classification Scheme 2023. Collection method: clinical testing. Allele origin: germline.
Comment: The p.T1686K variant (also known as c.5057C>A), located in coding exon 26 of the APOB gene, results from a C to A substitution at nucleotide position 5057. The threonine at codon 1686 is replaced by lysine, an amino acid with similar properties. This amino acid position is conserved. In addition, this alteration is predicted to be tolerated by in silico analysis. Based on the available evidence, the clinical significance of this variant remains unclear.

NM_000384.3(APOB):c.5057C>A (p.Thr1686Lys)

Gene: APOB (apolipoprotein B; minus strand). Cytogenetic location: 2p24.1.
Variant type: single nucleotide variant.
Coding change: c.5057C>A on transcript NM_000384.3 (MANE Select); coding-DNA position 5057, C replaced by A.
Protein change: p.Thr1686Lys; replaces threonine 1686 with lysine.
Molecular consequence: missense variant.
Genome position (GRCh38, 1-based): chr2:21,011,811, G>T on the plus strand (C>A on the coding strand, the complement: APOB is on the minus strand). VCF-style: chr2-21011811-G-T. GRCh37 (hg19) VCF-style: chr2-21234683-G-T.
Other names: short protein forms T1686K.
Identifiers: ClinVar variation 4125964 (VCV004125964.2).
Genomic context (GRCh38, chr2:21,011,811, plus strand): 5'-GTGAGGGCGGCTTTCCCATCCAGACTGAATTTTGCATTGTGTTCCCTGAAGCGGCCATTT[G>T]TTGTTAATTTCATAGATGCCCCAGAGAGGCCAAGCTCTGCATTCAGCTCATTCTCCAGCA-3'
Protein context (NP_000375.3, residues 1676-1696): GLSGASMKLT[Thr1686Lys]NGRFREHNAK